The following is an entry in ClinVar:

ClinVar aggregate classification (germline): Conflicting classifications of pathogenicity. Review status: criteria provided, conflicting classifications (1 of 4 stars). 3 submissions from 3 submitters: Uncertain significance (2); Likely benign (1). Last evaluated 2025-06-13.

gnomAD v4.1: 63 of 1,613,970 alleles (0.0039%); highest among the groups gnomAD compares: East Asian, 0.04%; no homozygotes.

Submissions (3):

GeneDx
Classification: Uncertain significance. Last evaluated: 2025-06-13. Review status: criteria provided, single submitter. Criteria: GeneDx Variant Classification Process June 2021. Collection method: clinical testing. Allele origin: germline. Affected: yes.
Comment: Identified in a patient with an autism spectrum disorder in published literature (PMID: 26204995); In silico analysis suggests that this missense variant does not alter protein structure/function; This variant is associated with the following publications: (PMID: 30276537, 26204995)

Labcorp Genetics (formerly Invitae), Labcorp
Classification: Likely benign. Last evaluated: 2025-06-04. Review status: criteria provided, single submitter. Criteria: Invitae Variant Classification Sherloc (09022015). Collection method: clinical testing. Allele origin: germline.

Blueprint Genetics
Classification: Uncertain significance. Last evaluated: 2020-05-13. Review status: criteria provided, single submitter. Criteria: ACMG Guidelines, 2015. Collection method: clinical testing. Allele origin: germline.

NM_206933.4(USH2A):c.7718G>C (p.Arg2573Pro)

Gene: USH2A (usherin; minus strand). Cytogenetic location: 1q41.
Variant type: single nucleotide variant.
Coding change: c.7718G>C on transcript NM_206933.4 (MANE Select); coding-DNA position 7718, G replaced by C.
Protein change: p.Arg2573Pro; replaces arginine 2573 with proline.
Molecular consequence: missense variant.
Genome position (GRCh38, 1-based): chr1:215,888,931, C>G on the plus strand (G>C on the coding strand, the complement: USH2A is on the minus strand). VCF-style: chr1-215888931-C-G. GRCh37 (hg19) VCF-style: chr1-216062273-C-G.
Other names: c.7718G>C (NM_206933.2); short protein forms R2573P.
Identifiers: ClinVar variation 1131837 (VCV001131837.11), dbSNP rs189748047, ClinGen allele CA1394757.